The following is an entry in ClinVar:

ClinVar aggregate classification (germline): Pathogenic/Likely pathogenic. Review status: criteria provided, multiple submitters, no conflicts (2 of 4 stars). 2 submissions from 2 submitters: Pathogenic (1); Likely pathogenic (1). Last evaluated 2025-09-30.

Conditions:
Propionic acidemia (PROP). Also called: GLYCINEMIA, KETOTIC; HYPERGLYCINEMIA WITH KETOACIDOSIS AND LEUKOPENIA; KETOTIC HYPERGLYCINEMIA. Identifiers: Orphanet 35, MedGen C0268579, MONDO:0011628, OMIM 606054, HP:0003571.

Submissions (2):

Myriad Genetics, Inc.
Classification: Pathogenic for Propionic acidemia. Last evaluated: 2025-09-30. Review status: criteria provided, single submitter. Criteria: Myriad Autosomal Dominant, Autosomal Recessive and X-Linked Classification Criteria (2023). Collection method: clinical testing. Allele origin: unknown.
Comment: NM_000282.3(PCCA):c.188_189delTT(F63*) is a nonsense variant classified as pathogenic in the context of PCCA-related propionic acidemia. F63* has not been observed in cases with relevant disease. Relevant functional assessments of this variant are not available in the literature. F63* has been observed in referenced population frequency databases. In summary, NM_000282.3(PCCA):c.188_189delTT(F63*) is a nonsense variant in a gene where loss of function is a known mechanism of disease and is predicted to disrupt protein function. Please note: this variant was assessed in the context of healthy population screening.

Baylor Genetics
Classification: Likely pathogenic for Propionic acidemia. Last evaluated: 2022-09-14. Review status: criteria provided, single submitter. Criteria: ACMG Guidelines, 2015. Collection method: clinical testing. Allele origin: unknown.

NM_000282.4(PCCA):c.188_189del (p.Thr62_Phe63insTer)

Gene: PCCA (propionyl-CoA carboxylase subunit alpha; plus strand). Cytogenetic location: 13q32.3.
Variant type: Deletion.
Coding change: c.188_189del on transcript NM_000282.4 (MANE Select); coding-DNA positions 188 to 189, 2 bases deleted (TT; older notation c.188_189delTT).
Protein change: p.Thr62_Phe63insTer.
Molecular consequence: nonsense. On other transcripts: non-coding transcript variant (5), 5 prime UTR variant (3).
Genome position (GRCh38, 1-based): chr13:100,111,845-100,111,846, TT deleted; deleting any 2 consecutive bases within chr13:100,111,843-100,111,846 gives the same sequence; the c. name uses the placement nearest the transcript's 3' end. VCF-style (leftmost placement, unchanged base first): chr13-100111842-CTT-C. GRCh37 (hg19) VCF-style: chr13-100764096-CTT-C.
Other names: c.110_111del, p.Thr36_Phe37insTer (NM_001127692.3, NM_001352607.2, NM_001352608.2); c.188_189del, p.Thr62_Phe63insTer (NM_001178004.2, NM_001352605.2, NM_001352606.2 and 1 more transcripts); c.-679_-678del (NM_001352610.2, NM_001352611.2, NM_001352612.2).
Identifiers: ClinVar variation 2677508 (VCV002677508.2), dbSNP rs773913840, ClinGen allele CA7033135.